The following is an entry in ClinVar:

ClinVar aggregate classification (germline): Uncertain significance. Review status: criteria provided, multiple submitters, no conflicts (2 of 4 stars). 5 submissions from 5 submitters: Uncertain significance (5). Last evaluated 2026-08-25.

Conditions:
OTOG-related disorder. Also called: OTOG-related condition.
Autosomal recessive disease. Identifiers: MedGen C0265388, MONDO:0006025.

Allele frequency attached by ClinVar (database versions not stated): gnomAD exomes 0.00006; ExAC 0.00007; gnomAD 0.00014; TOPMed 0.00014.
gnomAD v4.1: 104 of 1,548,202 alleles (0.0067%); highest among the groups gnomAD compares: African/African-American, 0.055%; no homozygotes.

Submissions (5):

GeneDx
Classification: Uncertain significance. Last evaluated: 2026-08-25. Review status: criteria provided, single submitter. Criteria: GeneDx Variant Classification Process June 2021. Collection method: clinical testing. Allele origin: germline.
Comment: In silico analysis suggests that this missense variant does not alter protein structure/function; Has not been previously published as pathogenic or benign to our knowledge

PreventionGenetics, part of Exact Sciences
Classification: Uncertain significance for OTOG-related condition. Last evaluated: 2026-08-03. Review status: criteria provided, single submitter. Criteria: ACMG Guidelines, 2015. Collection method: clinical testing. Allele origin: germline.
Comment: The OTOG c.2143G>A variant is predicted to result in the amino acid substitution p.Val715Met. To our knowledge, this variant has not been reported in the literature. This variant is reported in 0.058% of alleles in individuals of African descent in gnomAD, which may be too frequent to be a primary cause of disease. Although we suspect that this variant may be benign, at this time, the clinical significance of this variant is uncertain due to the absence of conclusive functional and genetic evidence.

Blueprint Genetics
Classification: Uncertain significance. Last evaluated: 2024-10-17. Review status: criteria provided, single submitter. Criteria: ACMG Guidelines, 2015. Collection method: clinical testing. Allele origin: germline.

Labcorp Genetics (formerly Invitae), Labcorp
Classification: Uncertain significance. Last evaluated: 2022-04-29. Review status: criteria provided, single submitter. Criteria: Invitae Variant Classification Sherloc (09022015). Collection method: clinical testing. Allele origin: germline.
Comment: This sequence change replaces valine, which is neutral and non-polar, with methionine, which is neutral and non-polar, at codon 715 of the OTOG protein (p.Val715Met). This variant is present in population databases (rs745785866, gnomAD 0.05%). This variant has not been reported in the literature in individuals affected with OTOG-related conditions. Algorithms developed to predict the effect of missense changes on protein structure and function are either unavailable or do not agree on the potential impact of this missense change (SIFT: "Tolerated"; PolyPhen-2: "Probably Damaging"; Align-GVGD: "Class C0"). In summary, the available evidence is currently insufficient to determine the role of this variant in disease. Therefore, it has been classified as a Variant of Uncertain Significance.

Cambridge Genomics Laboratory, East Genomic Laboratory Hub, NHS Genomic Medicine Service
Classification: Uncertain significance for Autosomal recessive disease. Last evaluated: 2020-03-20. Review status: criteria provided, single submitter. Criteria: ACGS Best Practice Guidelines for Variant Classification in Rare Disease 2020. Collection method: clinical testing. Allele origin: germline. Affected: yes. Observed: 1 variant allele.

NM_001292063.2(OTOG):c.2107G>A (p.Val703Met)

Gene: OTOG (otogelin; plus strand). Cytogenetic location: 11p15.1.
Variant type: single nucleotide variant.
Coding change: c.2107G>A on transcript NM_001292063.2 (MANE Select); coding-DNA position 2107, G replaced by A.
Protein change: p.Val703Met; replaces valine 703 with methionine.
Molecular consequence: missense variant.
Genome position (GRCh38, 1-based): chr11:17,573,104, G>A. VCF-style: chr11-17573104-G-A. GRCh37 (hg19) VCF-style: chr11-17594651-G-A.
Other names: c.2143G>A, p.Val715Met (NM_001277269.2); short protein forms V703M, V715M.
Identifiers: ClinVar variation 1809918 (VCV001809918.8), dbSNP rs745785866, ClinGen allele CA5905582.